The following is an entry in ClinVar:

NM_014363.6(SACS):c.2562A>T (p.Lys854Asn)

Gene: SACS (sacsin molecular chaperone; minus strand). Cytogenetic location: 13q12.12.
Variant type: single nucleotide variant.
Coding change: c.2562A>T on transcript NM_014363.6 (MANE Select); coding-DNA position 2562, A replaced by T.
Protein change: p.Lys854Asn; replaces lysine 854 with asparagine.
Molecular consequence: missense variant.
Genome position (GRCh38, 1-based): chr13:23,341,314, T>A on the plus strand (A>T on the coding strand, the complement: SACS is on the minus strand). VCF-style: chr13-23341314-T-A. GRCh37 (hg19) VCF-style: chr13-23915453-T-A.
Other names: c.2121A>T, p.Lys707Asn (NM_001278055.2); short protein forms K707N, K854N.
Identifiers: ClinVar variation 2684327 (VCV002684327.1), dbSNP rs879421228, ClinGen allele CA246663283.

ClinVar aggregate classification (germline): Uncertain significance (1 of 4 stars; one submission).

gnomAD v4.1: 4 of 1,606,852 alleles (0.00025%); highest among the groups gnomAD compares: Non-Finnish European, 0.00034%; no homozygotes.

Submission:

Athena Diagnostics
Classification: Uncertain significance. Last evaluated: 2023-03-31. Review status: criteria provided, single submitter. Criteria: Athena Diagnostics Criteria. Collection method: clinical testing. Allele origin: unknown.
Comment: Available data are insufficient to determine the clinical significance of the variant at this time. This variant has not been reported in large, multi-ethnic general populations. Computational tools predict that this variant is not damaging.